The following is an entry in ClinVar:

NM_000264.5(PTCH1):c.395-1G>T

Gene: PTCH1 (patched 1; minus strand). Cytogenetic location: 9q22.32.
Variant type: single nucleotide variant.
Coding change: c.395-1G>T on transcript NM_000264.5 (MANE Select); the canonical splice acceptor site of the intron before coding-DNA position 395, G replaced by T.
Molecular consequence: splice acceptor variant.
Genome position (GRCh38, 1-based): chr9:95,485,875, C>A on the plus strand (G>T on the coding strand, the complement: PTCH1 is on the minus strand). VCF-style: chr9-95485875-C-A. GRCh37 (hg19) VCF-style: chr9-98248157-C-A.
Other names: c.392-1G>T (NM_001083603.3); c.197-1G>T (NM_001083602.3, NM_001354919.2); c.-59-1G>T (NM_001083605.3, NM_001083604.3, NM_001083606.3 and 1 more transcripts); c.395-1G>T (NM_001354918.2).
Identifiers: ClinVar variation 4676127 (VCV004676127.1).

ClinVar aggregate classification (germline): Uncertain significance (1 of 4 stars; one submission).

Conditions:
Hereditary cancer-predisposing syndrome. Also called: Neoplastic Syndromes, Hereditary; Tumor predisposition; Hereditary Cancer Syndrome; Hereditary neoplastic syndrome. Identifiers: Orphanet 140162, MedGen C0027672, MeSH D009386, MONDO:0015356.

Submission:

Ambry Genetics
Classification: Uncertain significance for Hereditary cancer-predisposing syndrome. Last evaluated: 2025-11-24. Review status: criteria provided, single submitter. Criteria: Ambry Variant Classification Scheme 2023. Collection method: clinical testing. Allele origin: germline.
Comment: The c.395-1G>T intronic variant results from a G to T substitution one nucleotide upstream from coding exon 3 of the PTCH1 gene. Alterations that disrupt the canonical splice site are expected to result in aberrant splicing. In silico splice site analysis predicts that this alteration will weaken the native splice acceptor site and will result in the creation or strengthening of a novel splice acceptor site. A resulting transcript is predicted to be in-frame and is not expected to trigger nonsense-mediated mRNAdecay; although, direct evidence is unavailable. This nucleotide position is highly conserved in available vertebrate species. Based on the available evidence, the clinical significance of this variant remains unclear.